The following is an entry in ClinVar:

ClinVar aggregate classification (germline): Uncertain significance (1 of 4 stars; one submission).

Submission:

GeneDx
Classification: Uncertain significance. Last evaluated: 2022-04-11. Review status: criteria provided, single submitter. Criteria: GeneDx Variant Classification Process June 2021. Collection method: clinical testing. Allele origin: germline. Affected: yes.
Comment: Not observed at significant frequency in large population cohorts (gnomAD); In silico analysis supports a deleterious effect on protein structure/function; Has not been previously published as pathogenic or benign to our knowledge; Not located within exons 24-33, where the majority of pathogenic variants reported to date occur (Callewaert et al., 2008, Frederic et al., 2009)

NM_001999.4(FBN2):c.7184_7185delinsTC (p.Cys2395Phe)

Gene: FBN2 (fibrillin 2; minus strand). Cytogenetic location: 5q23.3.
Variant type: Indel.
Coding change: c.7184_7185delinsTC on transcript NM_001999.4 (MANE Select); coding-DNA positions 7184 to 7185, GT replaced by TC.
Protein change: p.Cys2395Phe; replaces cysteine 2395 with phenylalanine.
Molecular consequence: missense variant.
Genome position (GRCh38, 1-based): chr5:128,278,795-128,278,796, AC replaced by GA on the plus strand (GT replaced by TC on the coding strand, the reverse complement: FBN2 is on the minus strand). VCF-style: chr5-128278795-AC-GA. GRCh37 (hg19) VCF-style: chr5-127614487-AC-GA.
Other names: short protein forms C2395F.
Identifiers: ClinVar variation 1710859 (VCV001710859.2), dbSNP rs2479652008, ClinGen allele CA2580072569.